The following is an entry in ClinVar:

ClinVar aggregate classification (germline): Uncertain significance. Review status: criteria provided, multiple submitters, no conflicts (2 of 4 stars). 3 submissions from 3 submitters: Uncertain significance (2). 1 of the submissions does not count toward it. Last evaluated 2022-05-25.

Conditions:
Neuronal ceroid lipofuscinosis. Also called: Neuronal Ceroid Lipofuscinoses. Identifiers: Orphanet 216, Orphanet 79263, MedGen C0027877, MONDO:0016295. Disease mechanism: loss of function.

Allele frequency attached by ClinVar (database versions not stated): ExAC 0.00001; gnomAD exomes below 0.00001.

Submissions (3):

Labcorp Genetics (formerly Invitae), Labcorp
Classification: Uncertain significance for Neuronal ceroid lipofuscinosis. Last evaluated: 2022-05-25. Review status: criteria provided, single submitter. Criteria: Invitae Variant Classification Sherloc (09022015). Collection method: clinical testing. Allele origin: germline.
Comment: This sequence change replaces phenylalanine, which is neutral and non-polar, with leucine, which is neutral and non-polar, at codon 344 of the CLN5 protein (p.Phe344Leu). This variant is present in population databases (rs772050001, gnomAD 0.0009%). This variant has not been reported in the literature in individuals affected with CLN5-related conditions. ClinVar contains an entry for this variant (Variation ID: 205132). Algorithms developed to predict the effect of missense changes on protein structure and function (SIFT, PolyPhen-2, Align-GVGD) all suggest that this variant is likely to be tolerated. In summary, the available evidence is currently insufficient to determine the role of this variant in disease. Therefore, it has been classified as a Variant of Uncertain Significance.

GeneDx
Classification: Uncertain significance. Last evaluated: 2017-05-25. Review status: criteria provided, single submitter. Criteria: GeneDx Variant Classification (06012015). Collection method: clinical testing. Allele origin: germline. Affected: yes.
Comment: A variant of uncertain significance has been identified in the CLN5 gene. The F344L variant has not been published as a pathogenic variant, nor has it been reported as a benign variant to our knowledge. The F344L variant is not observed at a significant frequency in large population cohorts (Lek et al., 2016; 1000 Genomes Consortium et al., 2015; Exome Variant Server). The F344L variant is a conservative amino acid substitution, which is not likely to impact secondary protein structure as these residues share similar properties. However, this substitution occurs at a position that is conserved across species. In silico analysis is inconsistent in its predictions as to whether or not the variant is damaging to the protein structure/function. Therefore, based on the currently available information, it is unclear whether this variant is a pathogenic variant or a rare benign variant.

Natera, Inc.
Classification: Uncertain significance for Neuronal ceroid lipofuscinosis. Last evaluated: 2020-09-08. Review status: no assertion criteria provided. Collection method: clinical testing. Allele origin: germline. Not counted in ClinVar's aggregate classification.

NM_006493.4(CLN5):c.885C>G (p.Phe295Leu)

Gene: CLN5 (CLN5 lysosomal BMP synthase; plus strand). Cytogenetic location: 13q22.3.
Variant type: single nucleotide variant.
Coding change: c.885C>G on transcript NM_006493.4 (MANE Select); coding-DNA position 885, C replaced by G.
Protein change: p.Phe295Leu; replaces phenylalanine 295 with leucine.
Molecular consequence: missense variant. On other transcripts: 3 prime UTR variant (1).
Genome position (GRCh38, 1-based): chr13:77,000,777, C>G. VCF-style: chr13-77000777-C-G. GRCh37 (hg19) VCF-style: chr13-77574912-C-G.
Other names: p.F344L:TTC>TTG; c.1032C>G (LRG_692t1); c.*334C>G (NM_001366624.2); short protein forms F295L.
Identifiers: ClinVar variation 205132 (VCV000205132.8), dbSNP rs772050001, ClinGen allele CA313882.